The following is an entry in ClinVar:

NM_000243.3(MEFV):c.1030G>T (p.Ala344Ser)

Gene: MEFV (MEFV innate immunity regulator, pyrin; minus strand). Cytogenetic location: 16p13.3.
Variant type: single nucleotide variant.
Coding change: c.1030G>T on transcript NM_000243.3 (MANE Select); coding-DNA position 1030, G replaced by T.
Protein change: p.Ala344Ser; replaces alanine 344 with serine.
Molecular consequence: missense variant.
Genome position (GRCh38, 1-based): chr16:3,249,661, C>A on the plus strand (G>T on the coding strand, the complement: MEFV is on the minus strand). VCF-style: chr16-3249661-C-A. GRCh37 (hg19) VCF-style: chr16-3299661-C-A.
Other names: c.397G>T, p.Ala133Ser (NM_001198536.2); short protein forms A133S, A344S.
Identifiers: ClinVar variation 2185571 (VCV002185571.2), dbSNP rs1567234760, ClinGen allele CA394470943.
Genomic context (GRCh38, chr16:3,249,661, plus strand): 5'-GGCTCTTCCTTTCATGGGAGTCCTGGCACCGGGGGCAGCCAGGTGAGCGGCTGCCTGAGG[C>A]CTGGGGGTGCCCAGAAACTGCCTCGGGGAAGCTGCAGGAATCACGCACACAGGTACCGTC-3'
Protein context (NP_000234.1, residues 334-354): FPEAVSGHPQ[Ala344Ser]SGSRSPGCPR

ClinVar aggregate classification (germline): Uncertain significance (1 of 4 stars; one submission).

Conditions:
Familial Mediterranean fever (FMF). Also called: POLYSEROSITIS, FAMILIAL PAROXYSMAL; POLYSEROSITIS, RECURRENT; Periodic peritonitis; Benign paroxysmal peritonitis. Identifiers: Orphanet 342, MedGen C0031069, MONDO:0018088, OMIM 249100. Disease mechanism: gain of function.

Allele frequency attached by ClinVar (database versions not stated): gnomAD exomes 0.00001.
gnomAD v4.1: 9 of 1,613,124 alleles (0.00056%); highest among the groups gnomAD compares: Non-Finnish European, 0.00076%; no homozygotes.

Submission:

Labcorp Genetics (formerly Invitae), Labcorp
Classification: Uncertain significance for Familial Mediterranean fever. Last evaluated: 2022-10-17. Review status: criteria provided, single submitter. Criteria: Invitae Variant Classification Sherloc (09022015). Collection method: clinical testing. Allele origin: germline.
Comment: Algorithms developed to predict the effect of missense changes on protein structure and function (SIFT, PolyPhen-2, Align-GVGD) all suggest that this variant is likely to be tolerated. In summary, the available evidence is currently insufficient to determine the role of this variant in disease. Therefore, it has been classified as a Variant of Uncertain Significance. This variant has not been reported in the literature in individuals affected with MEFV-related conditions. This variant is not present in population databases (gnomAD no frequency). This sequence change replaces alanine, which is neutral and non-polar, with serine, which is neutral and polar, at codon 344 of the MEFV protein (p.Ala344Ser).